The following is an entry in ClinVar:

ClinVar aggregate classification (germline): Uncertain significance (1 of 4 stars; one submission).

Conditions:
TTN-related disorder. Also called: TTN-related condition; TTN-related disease; TTN-related disorders.

Submission:

PreventionGenetics, part of Exact Sciences
Classification: Uncertain significance for TTN-related condition. Last evaluated: 2022-11-10. Review status: criteria provided, single submitter. Criteria: ACMG Guidelines, 2015. Collection method: clinical testing. Allele origin: germline.
Comment: The TTN c.63029G>C variant is predicted to result in the amino acid substitution p.Trp21010Ser. To our knowledge, this variant has not been reported in the literature or in a large population database, indicating this variant is rare. At this time, the clinical significance of this variant is uncertain due to the absence of conclusive functional and genetic evidence.

NM_001267550.2(TTN):c.63029G>C (p.Trp21010Ser)

Genes: TTN (titin; minus strand), TTN-AS1 (TTN antisense RNA 1; plus strand). Cytogenetic location: 2q31.2.
Variant type: single nucleotide variant.
Coding change: c.63029G>C on transcript NM_001267550.2 (MANE Select); coding-DNA position 63029, G replaced by C.
Protein change: p.Trp21010Ser; replaces tryptophan 21010 with serine.
Molecular consequence: missense variant.
Genome position (GRCh38, 1-based): chr2:178,588,696, C>G on the plus strand (G>C on the coding strand, the complement: TTN is on the minus strand). VCF-style: chr2-178588696-C-G. GRCh37 (hg19) VCF-style: chr2-179453423-C-G.
Other names: c.58106G>C, p.Trp19369Ser (NM_001256850.1); c.35834G>C, p.Trp11945Ser (NM_003319.4); c.55325G>C, p.Trp18442Ser (NM_133378.4); c.36209G>C, p.Trp12070Ser (NM_133432.3); c.36410G>C, p.Trp12137Ser (NM_133437.4); short protein forms W11945S, W12070S, W12137S, W18442S, W19369S, W21010S.
Identifiers: ClinVar variation 2635511 (VCV002635511.1), dbSNP rs2469360861, ClinGen allele CA349457679.